The following is an entry in ClinVar:

NM_004046.6(ATP5F1A):c.61-267A>G

Gene: ATP5F1A (ATP synthase F1 subunit alpha; minus strand). Cytogenetic location: 18q21.1.
Variant type: single nucleotide variant.
Coding change: c.61-267A>G on transcript NM_004046.6 (MANE Select); 267 bases into the intron before coding-DNA position 61, A replaced by G.
Molecular consequence: intron variant.
Genome position (GRCh38, 1-based): chr18:46,095,398, T>C on the plus strand (A>G on the coding strand, the complement: ATP5F1A is on the minus strand). VCF-style: chr18-46095398-T-C. GRCh37 (hg19) VCF-style: chr18-43675364-T-C.
Other names: c.61-267A>G (NM_001001937.2, NM_001257334.2); c.-163-267A>G (NM_001001935.3); c.-90-267A>G (NM_001257335.2).
Identifiers: ClinVar variation 683320 (VCV000683320.1), dbSNP rs11664764, ClinGen allele CA14560876.

ClinVar aggregate classification (germline): Benign (1 of 4 stars; one submission).

Allele frequency attached by ClinVar (database versions not stated): 1000 Genomes Project 0.31609; 1000 Genomes Project 30x 0.32324; TOPMed 0.37709; gnomAD 0.38533 and 0.38776.
gnomAD v4.1: 58,606 of 151,946 alleles (39%); highest among the groups gnomAD compares: Middle Eastern, 53%; 11,683 homozygotes.

Submission:

GeneDx
Classification: Benign. Last evaluated: 2018-06-14. Review status: criteria provided, single submitter. Criteria: GeneDx Variant Classification (06012015). Collection method: clinical testing. Allele origin: germline. Affected: yes.
Comment: This variant is considered likely benign or benign based on one or more of the following criteria: it is a conservative change, it occurs at a poorly conserved position in the protein, it is predicted to be benign by multiple in silico algorithms, and/or has population frequency not consistent with disease.